The following is an entry in ClinVar:

NM_001003800.2(BICD2):c.706T>A (p.Ser236Thr)

Gene: BICD2 (BICD cargo adaptor 2; minus strand). Cytogenetic location: 9q22.31.
Variant type: single nucleotide variant.
Coding change: c.706T>A on transcript NM_001003800.2 (MANE Select); coding-DNA position 706, T replaced by A.
Protein change: p.Ser236Thr; replaces serine 236 with threonine.
Molecular consequence: missense variant.
Genome position (GRCh38, 1-based): chr9:92,720,656, A>T on the plus strand (T>A on the coding strand, the complement: BICD2 is on the minus strand). VCF-style: chr9-92720656-A-T. GRCh37 (hg19) VCF-style: chr9-95482938-A-T.
Other names: c.706T>A, p.Ser236Thr (NM_015250.4); short protein forms S236T.
Identifiers: ClinVar variation 3713382 (VCV003713382.2).

ClinVar aggregate classification (germline): Uncertain significance (1 of 4 stars; one submission).

Conditions:
Autosomal dominant childhood-onset proximal spinal muscular atrophy with contractures (SMALED2A). Also called: Spinal muscular atrophy, lower extremity-predominant, 2A, autosomal dominant; SPINAL MUSCULAR ATROPHY, LOWER EXTREMITY-PREDOMINANT, 2A, CHILDHOOD ONSET, AUTOSOMAL DOMINANT. Identifiers: Orphanet 363447, Orphanet 363454, MedGen C4747715, MONDO:0014121, OMIM 615290.

Submission:

Labcorp Genetics (formerly Invitae), Labcorp
Classification: Uncertain significance for Autosomal dominant childhood-onset proximal spinal muscular atrophy with contractures. Last evaluated: 2024-04-30. Review status: criteria provided, single submitter. Criteria: Invitae Variant Classification Sherloc (09022015). Collection method: clinical testing. Allele origin: germline.
Comment: This sequence change replaces serine, which is neutral and polar, with threonine, which is neutral and polar, at codon 236 of the BICD2 protein (p.Ser236Thr). This variant is not present in population databases (gnomAD no frequency). This variant has not been reported in the literature in individuals affected with BICD2-related conditions. Advanced modeling of protein sequence and biophysical properties (such as structural, functional, and spatial information, amino acid conservation, physicochemical variation, residue mobility, and thermodynamic stability) performed at Invitae indicates that this missense variant is not expected to disrupt BICD2 protein function with a negative predictive value of 80%. In summary, the available evidence is currently insufficient to determine the role of this variant in disease. Therefore, it has been classified as a Variant of Uncertain Significance.